The following is an entry in ClinVar:

NM_183075.3(CYP2U1):c.639C>T (p.His213=)

Gene: CYP2U1 (cytochrome P450 family 2 subfamily U member 1; plus strand). Cytogenetic location: 4q25.
Variant type: single nucleotide variant.
Coding change: c.639C>T on transcript NM_183075.3 (MANE Select); coding-DNA position 639, C replaced by T.
Protein change: p.His213=; no amino-acid change (histidine 213 retained).
Molecular consequence: synonymous variant.
Genome position (GRCh38, 1-based): chr4:107,945,118, C>T. VCF-style: chr4-107945118-C-T. GRCh37 (hg19) VCF-style: chr4-108866274-C-T.
Identifiers: ClinVar variation 695684 (VCV000695684.39), dbSNP rs147256952, ClinGen allele CA3037036.
Genomic context (GRCh38, chr4:107,945,118, plus strand): 5'-TAGCTTGGAGCCCAAGATTATTGAGGAGTTCAAATATGTGAAAGCAGAAATGCAAAAGCA[C>T]GGAGAAGACCCCTTCTGCCCTTTCTCCATCATCAGCAATGCCGTCTCTAACATCATTTGC-3'
Protein context (NP_898898.1, residues 203-223): FKYVKAEMQK[His213=]GEDPFCPFSI

ClinVar aggregate classification (germline): Conflicting classifications of pathogenicity. Review status: criteria provided, conflicting classifications (1 of 4 stars). 4 submissions from 4 submitters: Uncertain significance (1); Likely benign (3). Last evaluated 2025-11-22.

Conditions:
Hereditary spastic paraplegia. Also called: Familial spastic paraparesis. Identifiers: Orphanet 685, MedGen C0037773, MONDO:0019064. Disease mechanism: loss of function.
Spastic paraplegia. Identifiers: MedGen C0037772, HP:0001258.

Allele frequency attached by ClinVar (database versions not stated): ESP Exome Variant Server 0.00015; gnomAD 0.00019 and 0.00021; gnomAD exomes 0.00020 and 0.00024; ExAC 0.00022; TOPMed 0.00030.
gnomAD v4.1: 377 of 1,613,792 alleles (0.023%); highest among the groups gnomAD compares: Admixed American, 0.042%; no homozygotes.

Submissions (4):

Labcorp Genetics (formerly Invitae), Labcorp
Classification: Likely benign for Spastic paraplegia. Last evaluated: 2025-11-22. Review status: criteria provided, single submitter. Criteria: Invitae Variant Classification Sherloc (09022015). Collection method: clinical testing. Allele origin: germline.

Blueprint Genetics
Classification: Likely benign. Last evaluated: 2024-04-24. Review status: criteria provided, single submitter. Criteria: ACMG Guidelines, 2015. Collection method: clinical testing. Allele origin: germline.

CeGaT Center for Human Genetics Tuebingen
Classification: Likely benign. Last evaluated: 2023-01-01. Review status: criteria provided, single submitter. Criteria: CeGaT Center For Human Genetics Tuebingen Variant Classification Criteria Version 2. Collection method: clinical testing. Allele origin: germline. Affected: yes. Observed: 2 variant alleles.
Comment: CYP2U1: BP4, BP7

Genome Diagnostics Laboratory, The Hospital for Sick Children
Classification: Uncertain significance for Hereditary spastic paraplegia. Last evaluated: 2016-12-12. Review status: criteria provided, single submitter. Criteria: ACMG Guidelines, 2015. Collection method: clinical testing. Allele origin: germline. Affected: yes.